The following is an entry in ClinVar:

NM_007294.4(BRCA1):c.1210del (p.Glu404fs)

Gene: BRCA1 (BRCA1 DNA repair associated; minus strand). Cytogenetic location: 17q21.31.
Variant type: Deletion.
Coding change: c.1210del on transcript NM_007294.4 (MANE Select); coding-DNA position 1210, one base deleted (G; older notation c.1210delG).
Protein change: p.Glu404fs; shifts the reading frame from glutamic acid 404.
Molecular consequence: frameshift variant. On other transcripts: intron variant (137).
Genome position (GRCh38, 1-based): chr17:43,094,321, C deleted on the plus strand (G on the coding strand, the reverse complement: BRCA1 is on the minus strand). VCF-style (leftmost placement, unchanged base first): chr17-43094320-TC-T. GRCh37 (hg19) VCF-style: chr17-41246337-TC-T.
Other names: c.661+423del (NM_001408432.1, NM_001408450.1, NM_001408434.1 and 6 more transcripts); c.667+1525del (NM_001408431.1, NM_001408424.1, NM_001408421.1); c.784+423del (NM_001408407.1, NM_001408402.1, NM_001408473.1 and 13 more transcripts); c.664+423del (NM_001408443.1, NM_001408439.1, NM_001408425.1 and 12 more transcripts); c.670+1525del (NM_001408419.1, NM_001408422.1, NM_001408418.1 and 2 more transcripts); c.787+423del (NM_001408403.1, NM_001407983.1, NM_001407975.1 and 19 more transcripts); c.790+420del (NM_001408406.1); c.646+423del (NM_001408456.1, NM_001408410.1, NM_001408458.1 and 11 more transcripts); and 41 more; short protein forms E108fs, E236fs, E276fs, E277fs, E292fs, E293fs, E315fs, E316fs.
Identifiers: ClinVar variation 4533100 (VCV004533100.1).

ClinVar aggregate classification (germline): Likely pathogenic (1 of 4 stars; one submission).

Submission:

Quest Diagnostics Nichols Institute San Juan Capistrano
Classification: Likely pathogenic. Last evaluated: 2025-02-21. Review status: criteria provided, single submitter. Criteria: Quest Diagnostics criteria. Collection method: clinical testing. Allele origin: unknown.
Comment: The BRCA1 c.1210del (p.Glu404Asnfs*6) variant alters the translational reading frame of the BRCA1 mRNA and is predicted to cause the premature termination of BRCA1 protein synthesis. This variant has not been reported in individuals with BRCA1-related conditions in the published literature. However, a similar deletion (c.1209delT (p.Glu404Asnfs*6)) resulting in the same premature termination of BRCA1 protein has been reported in individuals with breast cancer (PMID: 34403063 (2021), 28294317 (2017)). This variant has not been reported in large, multi-ethnic general populations (Genome Aggregation Database). Based on the available information, this variant is classified as likely pathogenic.